The following is an entry in ClinVar:

NM_181507.2(HPS5):c.2546T>C (p.Val849Ala)

Gene: HPS5 (HPS5 biogenesis of lysosomal organelles complex 2 subunit 2; minus strand). Cytogenetic location: 11p15.1.
Variant type: single nucleotide variant.
Coding change: c.2546T>C on transcript NM_181507.2 (MANE Select); coding-DNA position 2546, T replaced by C.
Protein change: p.Val849Ala; replaces valine 849 with alanine.
Molecular consequence: missense variant.
Genome position (GRCh38, 1-based): chr11:18,287,908, A>G on the plus strand (T>C on the coding strand, the complement: HPS5 is on the minus strand). VCF-style: chr11-18287908-A-G. GRCh37 (hg19) VCF-style: chr11-18309455-A-G.
Other names: c.2204T>C, p.Val735Ala (NM_007216.4, NM_181508.2); short protein forms V735A, V849A.
Identifiers: ClinVar variation 3355237 (VCV003355237.1).

ClinVar aggregate classification (germline): Uncertain significance (0 of 4 stars; one submission).

Conditions:
HPS5-related disorder. Also called: HPS5-related condition.

gnomAD v4.1: 25 of 1,614,114 alleles (0.0015%); highest among the groups gnomAD compares: South Asian, 0.026%; no homozygotes.

Submission:

PreventionGenetics, part of Exact Sciences
Classification: Uncertain significance for HPS5-related condition. Last evaluated: 2024-04-14. Review status: no assertion criteria provided. Collection method: clinical testing. Allele origin: germline.
Comment: The HPS5 c.2546T>C variant is predicted to result in the amino acid substitution p.Val849Ala. To our knowledge, this variant has not been reported in the literature. This variant is reported in 0.026% of alleles in individuals of South Asian descent in gnomAD. At this time, the clinical significance of this variant is uncertain due to the absence of conclusive functional and genetic evidence.